The following is an entry in ClinVar:

NM_001206927.2(DNAH8):c.11429T>G (p.Leu3810Arg)

Genes: DNAH8 (dynein axonemal heavy chain 8; plus strand), DNAH8-AS1 (DNAH8 antisense RNA 1; minus strand). Cytogenetic location: 6p21.2.
Variant type: single nucleotide variant.
Coding change: c.11429T>G on transcript NM_001206927.2 (MANE Select); coding-DNA position 11429, T replaced by G.
Protein change: p.Leu3810Arg; replaces leucine 3810 with arginine.
Molecular consequence: missense variant.
Genome position (GRCh38, 1-based): chr6:38,931,965, T>G. VCF-style: chr6-38931965-T-G. GRCh37 (hg19) VCF-style: chr6-38899741-T-G.
Other names: c.10778T>G, p.Leu3593Arg (NM_001371.4); short protein forms L3810R, L3593R.
Identifiers: ClinVar variation 2054988 (VCV002054988.1), dbSNP rs909094330, ClinGen allele CA3791043.

ClinVar aggregate classification (germline): Uncertain significance (1 of 4 stars; one submission).

Conditions:
Primary ciliary dyskinesia. Also called: Ciliary dyskinesia. Identifiers: Orphanet 244, MedGen C0008780, MONDO:0016575, HP:0012265.

Allele frequency attached by ClinVar (database versions not stated): gnomAD 0.00001; gnomAD exomes 0.00001; TOPMed 0.00004; ExAC 0.00005.
gnomAD v4.1: 24 of 1,605,312 alleles (0.0015%); highest among the groups gnomAD compares: East Asian, 0.047%; no homozygotes.

Submission:

Labcorp Genetics (formerly Invitae), Labcorp
Classification: Uncertain significance for Primary ciliary dyskinesia. Last evaluated: 2022-06-13. Review status: criteria provided, single submitter. Criteria: Invitae Variant Classification Sherloc (09022015). Collection method: clinical testing. Allele origin: germline.
Comment: This sequence change replaces leucine, which is neutral and non-polar, with arginine, which is basic and polar, at codon 3810 of the DNAH8 protein (p.Leu3810Arg). This variant is present in population databases (no rsID available, gnomAD 0.07%). This variant has not been reported in the literature in individuals affected with DNAH8-related conditions. Algorithms developed to predict the effect of missense changes on protein structure and function are either unavailable or do not agree on the potential impact of this missense change (SIFT: "Deleterious"; PolyPhen-2: "Not Available"; Align-GVGD: "Class C0"). In summary, the available evidence is currently insufficient to determine the role of this variant in disease. Therefore, it has been classified as a Variant of Uncertain Significance.